The following is an entry in ClinVar:

ClinVar aggregate classification (germline): Uncertain significance (1 of 4 stars; one submission).

Conditions:
EP300-related disorder. Also called: EP300-related condition; EP300-related disorders.

Submission:

PreventionGenetics, part of Exact Sciences
Classification: Uncertain significance for EP300-related condition. Last evaluated: 2025-02-25. Review status: criteria provided, single submitter. Criteria: ACMG Guidelines, 2015. Collection method: clinical testing. Allele origin: germline.
Comment: The EP300 c.2185C>G variant is predicted to result in the amino acid substitution p.Gln729Glu. To our knowledge, this variant has not been reported in the literature or in a large population database (gnomAD), indicating this variant is rare. At this time, the clinical significance of this variant is uncertain due to the absence of conclusive functional and genetic evidence.

NM_001429.4(EP300):c.2185C>G (p.Gln729Glu)

Gene: EP300 (EP300 lysine acetyltransferase; plus strand). Cytogenetic location: 22q13.2.
Variant type: single nucleotide variant.
Coding change: c.2185C>G on transcript NM_001429.4 (MANE Select); coding-DNA position 2185, C replaced by G.
Protein change: p.Gln729Glu; replaces glutamine 729 with glutamic acid.
Molecular consequence: missense variant.
Genome position (GRCh38, 1-based): chr22:41,147,890, C>G. VCF-style: chr22-41147890-C-G. GRCh37 (hg19) VCF-style: chr22-41543894-C-G.
Other names: c.2107C>G, p.Gln703Glu (NM_001362843.2); short protein forms Q729E, Q703E.
Identifiers: ClinVar variation 4979573 (VCV004979573.1).
Genomic context (GRCh38, chr22:41,147,890, plus strand): 5'-TTCACAGGTTTGAATCAATTTGGCCAGATGAGCATGGCCCAGCCCCCTATTGTACCCCGG[C>G]AAACCCCTCCTCTTCAGCACCATGGACAGTTGGCTCAACCTGGAGCTCTCAACCCGGTTA-3'
Protein context (NP_001420.2, residues 719-739): SMAQPPIVPR[Gln729Glu]TPPLQHHGQL